The following is an entry in ClinVar:

NM_024818.6(UBA5):c.297+2T>C

Genes: NPHP3-ACAD11 (NPHP3-ACAD11 readthrough (NMD candidate); minus strand), UBA5 (ubiquitin like modifier activating enzyme 5; plus strand). Cytogenetic location: 3q22.1.
Variant type: single nucleotide variant.
Coding change: c.297+2T>C on transcript NM_024818.6 (MANE Select); the canonical splice donor site of the intron after coding-DNA position 297, T replaced by C.
Molecular consequence: splice donor variant. On other transcripts: intron variant (2).
Genome position (GRCh38, 1-based): chr3:132,666,075, T>C. VCF-style: chr3-132666075-T-C. GRCh37 (hg19) VCF-style: chr3-132384919-T-C.
Other names: c.129+2T>C (NM_198329.4, NM_001320210.2); c.-39-2743T>C (NM_001321239.1); c.28-2743T>C (NM_001321238.2).
Identifiers: ClinVar variation 3234903 (VCV003234903.1), dbSNP rs2530304011, ClinGen allele CA354572752.
Genomic context (GRCh38, chr3:132,666,075, plus strand): 5'-GTGTTGGTGGAGTAGGTAGTGTGACTGCTGAAATGCTGACAAGATGTGGCATTGGTAAGG[T>C]AAAAACATTTCTCTTTGCCTGTCATATAGGGAACTACTCACTCCTGGAGTAAATCAGGTA-3'

ClinVar aggregate classification (germline): Likely pathogenic (1 of 4 stars; one submission).

Conditions:
Developmental and epileptic encephalopathy, 44 (DEE44). Also called: Epileptic encephalopathy, early infantile, 44. Identifiers: MedGen C4310700, MONDO:0014933, OMIM 617132.

Submission:

Neuberg Centre For Genomic Medicine, NCGM
Classification: Likely pathogenic for Developmental and epileptic encephalopathy, 44. Review status: criteria provided, single submitter. Criteria: ACMG Guidelines, 2015. Collection method: clinical testing. Allele origin: germline. Inheritance: Autosomal recessive inheritance. Affected: yes.
Comment: The splicesite variant c.297+2T>C in UBA5 gene has not been reported previously as a pathogenic variant nor as a benign variant, to our knowledge. The variant is novel not in any individuals in gnomAD Exomes and is novel not in any individuals in 1000 Genomes. The variant affects the GT donor splice site downstream of exon 3. This variant is predicted to cause loss of normal protein function through protein truncation. Loss of function variants have been previously reported to be disease causing Muona M, et al., 2016. For these reasons, this variant has been classified as Likely Pathogenic. In the absence of another reportable variant, the molecular diagnosis is not confirmed.